The following is an entry in ClinVar:

ClinVar aggregate classification (germline): Uncertain significance (1 of 4 stars; one submission).

Submission:

GeneDx
Classification: Uncertain significance. Last evaluated: 2024-01-22. Review status: criteria provided, single submitter. Criteria: GeneDx Variant Classification Process June 2021. Collection method: clinical testing. Allele origin: germline. Affected: yes.
Comment: Not observed at significant frequency in large population cohorts (gnomAD); In silico analysis supports that this missense variant does not alter protein structure/function; Has not been previously published as pathogenic or benign to our knowledge

NM_004656.4(BAP1):c.1007T>G (p.Val336Gly)

Gene: BAP1 (BRCA1 associated deubiquitinase 1; minus strand). Cytogenetic location: 3p21.1.
Variant type: single nucleotide variant.
Coding change: c.1007T>G on transcript NM_004656.4 (MANE Select); coding-DNA position 1007, T replaced by G.
Protein change: p.Val336Gly; replaces valine 336 with glycine.
Molecular consequence: missense variant.
Genome position (GRCh38, 1-based): chr3:52,405,219, A>C on the plus strand (T>G on the coding strand, the complement: BAP1 is on the minus strand). VCF-style: chr3-52405219-A-C. GRCh37 (hg19) VCF-style: chr3-52439235-A-C.
Other names: c.953T>G, p.Val318Gly (NM_001410772.1); short protein forms V318G, V336G.
Identifiers: ClinVar variation 3368018 (VCV003368018.1).